The following is an entry in ClinVar:

NM_170601.5(SIAE):c.230-1G>T

Gene: SIAE (sialic acid acetylesterase; minus strand). Cytogenetic location: 11q24.2.
Variant type: single nucleotide variant.
Coding change: c.230-1G>T on transcript NM_170601.5 (MANE Select); the canonical splice acceptor site of the intron before coding-DNA position 230, G replaced by T.
Molecular consequence: splice acceptor variant.
Genome position (GRCh38, 1-based): chr11:124,660,804, C>A on the plus strand (G>T on the coding strand, the complement: SIAE is on the minus strand). VCF-style: chr11-124660804-C-A. GRCh37 (hg19) VCF-style: chr11-124530700-C-A.
Other names: c.125-1G>T (NM_001199922.2).
Identifiers: ClinVar variation 2184458 (VCV002184458.4), dbSNP rs763314487, ClinGen allele CA6341606.
Genomic context (GRCh38, chr11:124,660,804, plus strand): 5'-CTTCGAAAGGTCCTCCAGGCTTCATAGGATCCAGTACCACCATCCACGTATCAGAGTGAG[C>A]TGAAATAGTAACAGGACTCCAAGGAATTAATCAATCAATTAAAGTGAAATCAAAGCCCAA-3'

ClinVar aggregate classification (germline): Uncertain significance (1 of 4 stars; one submission).

Allele frequency attached by ClinVar (database versions not stated): ExAC 0.00001; gnomAD 0.00001; gnomAD exomes 0.00001; TOPMed 0.00002.
gnomAD v4.1: 7 of 1,613,934 alleles (0.00043%); highest among the groups gnomAD compares: Admixed American, 0.012%; no homozygotes.

Submission:

Labcorp Genetics (formerly Invitae), Labcorp
Classification: Uncertain significance. Last evaluated: 2025-08-26. Review status: criteria provided, single submitter. Criteria: Invitae Variant Classification Sherloc (09022015). Collection method: clinical testing. Allele origin: germline.
Comment: This sequence change affects an acceptor splice site in intron 2 of the SIAE gene. It is expected to disrupt RNA splicing. Variants that disrupt the donor or acceptor splice site typically lead to a loss of protein function (PMID: 16199547), however the current clinical and genetic evidence is not sufficient to establish whether loss-of-function variants in SIAE cause disease. This variant is present in population databases (rs763314487, gnomAD 0.02%). This variant has not been reported in the literature in individuals affected with SIAE-related conditions. ClinVar contains an entry for this variant (Variation ID: 2184458). Algorithms developed to predict the effect of sequence changes on RNA splicing suggest that this variant may disrupt the consensus splice site. In summary, the available evidence is currently insufficient to determine the role of this variant in disease. Therefore, it has been classified as a Variant of Uncertain Significance.

Literature cited by the submitters: PubMed 16199547.